The following is an entry in ClinVar:

ClinVar aggregate classification (germline): Uncertain significance. Review status: criteria provided, multiple submitters, no conflicts (2 of 4 stars). 3 submissions from 3 submitters: Uncertain significance (3). Last evaluated 2024-10-23.

Conditions:
Mucopolysaccharidosis, MPS-I-S. Also called: MUCOPOLYSACCHARIDOSIS TYPE IS; MPS V; MUCOPOLYSACCHARIDOSIS TYPE V; Scheie Syndrome. Identifiers: Orphanet 93474, MedGen C0026708, MONDO:0011760, OMIM 607016.
Mucopolysaccharidosis, MPS-I-H/S. Also called: Mucopolysaccharidosis type IH/S. Identifiers: Orphanet 93476, MedGen C0086431, MONDO:0011759, OMIM 607015.
Hurler syndrome. Also called: MUCOPOLYSACCHARIDOSIS TYPE IH; Gargoylism, Hurler Syndrome; Severe MPS I (Hurler Syndrome). Identifiers: Orphanet 93473, MedGen C0086795, MONDO:0011758, OMIM 607014.
IDUA-related disorder. Also called: IDUA-related condition.
Mucopolysaccharidosis type 1. Also called: IDUA deficiency; MPS I; Mucopolysaccharidosis Type I. Identifiers: Orphanet 579, MedGen C0023786, MONDO:0001586.

Allele frequency attached by ClinVar (database versions not stated): gnomAD 0.00003 and 0.00004; gnomAD exomes 0.00006; ExAC 0.00008; ESP Exome Variant Server 0.00008.
gnomAD v4.1: 70 of 1,612,668 alleles (0.0043%); highest among the groups gnomAD compares: Non-Finnish European, 0.0056%; 1 homozygote.

Submissions (3):

PreventionGenetics, part of Exact Sciences
Classification: Uncertain significance for IDUA-related condition. Last evaluated: 2024-10-23. Review status: criteria provided, single submitter. Criteria: ACMG Guidelines, 2015. Collection method: clinical testing. Allele origin: germline.
Comment: The IDUA c.340C>A variant is predicted to result in the amino acid substitution p.Leu114Met. To our knowledge, this variant has not been reported in the literature. This variant is reported in 0.010% of alleles in individuals of European (Non-Finnish) descent in gnomAD. At this time, the clinical significance of this variant is uncertain due to the absence of conclusive functional and genetic evidence.

Labcorp Genetics (formerly Invitae), Labcorp
Classification: Uncertain significance for Mucopolysaccharidosis type 1. Last evaluated: 2024-10-09. Review status: criteria provided, single submitter. Criteria: Invitae Variant Classification Sherloc (09022015). Collection method: clinical testing. Allele origin: germline.
Comment: This sequence change replaces leucine, which is neutral and non-polar, with methionine, which is neutral and non-polar, at codon 114 of the IDUA protein (p.Leu114Met). This variant is present in population databases (rs372934646, gnomAD 0.01%), including at least one homozygous and/or hemizygous individual. This variant has not been reported in the literature in individuals affected with IDUA-related conditions. ClinVar contains an entry for this variant (Variation ID: 1349690). Invitae Evidence Modeling of protein sequence and biophysical properties (such as structural, functional, and spatial information, amino acid conservation, physicochemical variation, residue mobility, and thermodynamic stability) has been performed for this missense variant. However, the output from this modeling did not meet the statistical confidence thresholds required to predict the impact of this variant on IDUA protein function. In summary, the available evidence is currently insufficient to determine the role of this variant in disease. Therefore, it has been classified as a Variant of Uncertain Significance.

Fulgent Genetics
Classification: Uncertain significance for Hurler syndrome; Mucopolysaccharidosis, MPS-I-H/S; Mucopolysaccharidosis, MPS-I-S. Last evaluated: 2022-03-09. Review status: criteria provided, single submitter. Criteria: ACMG Guidelines, 2015. Collection method: clinical testing. Allele origin: unknown.

NM_000203.5(IDUA):c.340C>A (p.Leu114Met)

Gene: IDUA (alpha-L-iduronidase; plus strand). Cytogenetic location: 4p16.3.
Variant type: single nucleotide variant.
Coding change: c.340C>A on transcript NM_000203.5 (MANE Select); coding-DNA position 340, C replaced by A.
Protein change: p.Leu114Met; replaces leucine 114 with methionine.
Molecular consequence: missense variant. On other transcripts: 5 prime UTR variant (1), non-coding transcript variant (1).
Genome position (GRCh38, 1-based): chr4:1,000,652, C>A. VCF-style: chr4-1000652-C-A. GRCh37 (hg19) VCF-style: chr4-994440-C-A.
Other names: c.340C>A (NM_000203.4); c.-57C>A (NM_001363576.1); short protein forms L114M.
Identifiers: ClinVar variation 1349690 (VCV001349690.8), dbSNP rs372934646, ClinGen allele CA2801877.
Genomic context (GRCh38, chr4:1,000,652, plus strand): 5'-CGCTGACCGTCCTTCTGCAGGGGGTCCACTGGACGGGGCCTGAGCTACAACTTCACCCAC[C>A]TGGACGGGTACCTGGACCTTCTCAGGGAGAACCAGCTCCTCCCAGGTGAGCTGTGGGCTC-3'
Protein context (NP_000194.2, residues 104-124): GRGLSYNFTH[Leu114Met]DGYLDLLREN